The following is an entry in ClinVar:

ClinVar aggregate classification (germline): Likely pathogenic (1 of 4 stars; one submission).

Submission:

GeneDx
Classification: Likely pathogenic. Last evaluated: 2026-02-19. Review status: criteria provided, single submitter. Criteria: GeneDx Variant Classification Process June 2021. Collection method: clinical testing. Allele origin: germline.
Comment: Not observed at significant frequency in large population cohorts (gnomAD); In silico analysis supports that this missense variant has a deleterious effect on protein structure/function; Has not been previously published as pathogenic or benign to our knowledge

NM_031263.4(HNRNPK):c.1298G>A (p.Arg433Gln)

Gene: HNRNPK (heterogeneous nuclear ribonucleoprotein K; minus strand). Cytogenetic location: 9q21.32.
Variant type: single nucleotide variant.
Coding change: c.1298G>A on transcript NM_031263.4 (MANE Select); coding-DNA position 1298, G replaced by A.
Protein change: p.Arg433Gln; replaces arginine 433 with glutamine.
Molecular consequence: missense variant.
Genome position (GRCh38, 1-based): chr9:83,970,225, C>T on the plus strand (G>A on the coding strand, the complement: HNRNPK is on the minus strand). VCF-style: chr9-83970225-C-T. GRCh37 (hg19) VCF-style: chr9-86585140-C-T.
Other names: c.1226G>A, p.Arg409Gln (NM_001318186.2, NM_001318187.2); c.1298G>A, p.Arg433Gln (NM_001318188.2, NM_002140.5, NM_031262.4); short protein forms R409Q, R433Q.
Identifiers: ClinVar variation 4888054 (VCV004888054.1).